The following is an entry in ClinVar:

NM_012140.5(SLC25A10):c.*208C>T

Gene: SLC25A10 (solute carrier family 25 member 10; plus strand). Cytogenetic location: 17q25.3.
Variant type: single nucleotide variant.
Coding change: c.*208C>T on transcript NM_012140.5 (MANE Select); 208 bases downstream of the stop codon, C replaced by T.
Molecular consequence: 3 prime UTR variant. On other transcripts: missense variant (1).
Genome position (GRCh38, 1-based): chr17:81,720,285, C>T. VCF-style: chr17-81720285-C-T. GRCh37 (hg19) VCF-style: chr17-79687315-C-T.
Other names: c.*208C>T (NM_001270888.2); c.989C>T, p.Ala330Val (NM_001270953.2); short protein forms A330V.
Identifiers: ClinVar variation 4883452 (VCV004883452.2).

ClinVar aggregate classification (germline): Uncertain significance (1 of 4 stars; one submission).

gnomAD v4.1: 4 of 1,436,844 alleles (0.00028%); highest among the groups gnomAD compares: African/African-American, 0.0057%; no homozygotes.

Submission:

Dasa
Classification: Uncertain significance. Last evaluated: 2025-10-16. Review status: criteria provided, single submitter. Criteria: DASA Assertion Criteria. Collection method: clinical testing. Allele origin: germline.
Comment: NM_001270953.2(SLC25A10):c.989C>T (p.Ala330Val) is a missense variant that results in the substitution of alanine with valine. This variant is rare in population databases. The currently available literature and clinical evidence are not sufficient to establish a definitive association between this variant and the reported condition. Therefore, this variant is classified as a variant of uncertain significance.